The following is an entry in ClinVar:

ClinVar aggregate classification (germline): Uncertain significance (1 of 4 stars; one submission).

Conditions:
Congenital myopathy with internal nuclei and atypical cores. Also called: Myopathy, centronuclear, 4. Identifiers: Orphanet 319160, MedGen C4707232, MONDO:0013890, OMIM 614807.

Submission:

Labcorp Genetics (formerly Invitae), Labcorp
Classification: Uncertain significance for Congenital myopathy with internal nuclei and atypical cores. Last evaluated: 2025-06-04. Review status: criteria provided, single submitter. Criteria: Invitae Variant Classification Sherloc (09022015). Collection method: clinical testing. Allele origin: germline.
Comment: This sequence change creates a premature translational stop signal (p.Arg198*) in the CCDC78 gene. It is expected to result in an absent or disrupted protein product. However, the current clinical and genetic evidence is not sufficient to establish whether loss-of-function variants in CCDC78 cause disease. This variant is present in population databases (rs751262117, gnomAD 0.003%). This variant has not been reported in the literature in individuals affected with CCDC78-related conditions. ClinVar contains an entry for this variant (Variation ID: 3695813). Algorithms developed to predict the effect of sequence changes on RNA splicing suggest that this variant may disrupt the consensus splice site. In summary, the available evidence is currently insufficient to determine the role of this variant in disease. Therefore, it has been classified as a Variant of Uncertain Significance.

NM_001378030.1(CCDC78):c.592C>T (p.Arg198Ter)

Gene: CCDC78 (coiled-coil domain containing 78; minus strand). Cytogenetic location: 16p13.3.
Variant type: single nucleotide variant.
Coding change: c.592C>T on transcript NM_001378030.1 (MANE Select); coding-DNA position 592, C replaced by T.
Protein change: p.Arg198Ter; replaces arginine 198 with a stop codon.
Molecular consequence: nonsense. On other transcripts: non-coding transcript variant (5), intron variant (1).
Genome position (GRCh38, 1-based): chr16:724,958, G>A on the plus strand (C>T on the coding strand, the complement: CCDC78 is on the minus strand). VCF-style: chr16-724958-G-A. GRCh37 (hg19) VCF-style: chr16-774958-G-A.
Other names: c.592C>T, p.Arg198Ter (NM_001031737.3, NM_001378031.1); c.198+120C>T (NM_001378033.1); short protein forms R198*.
Identifiers: ClinVar variation 3695813 (VCV003695813.2).